The following is an entry in ClinVar:

NM_207361.6(FREM2):c.6560T>A (p.Ile2187Asn)

Gene: FREM2 (FRAS1 related extracellular matrix 2; plus strand). Cytogenetic location: 13q13.3.
Variant type: single nucleotide variant.
Coding change: c.6560T>A on transcript NM_207361.6 (MANE Select); coding-DNA position 6560, T replaced by A.
Protein change: p.Ile2187Asn; replaces isoleucine 2187 with asparagine.
Molecular consequence: missense variant.
Genome position (GRCh38, 1-based): chr13:38,850,218, T>A. VCF-style: chr13-38850218-T-A. GRCh37 (hg19) VCF-style: chr13-39424355-T-A.
Other names: short protein forms I2187N.
Identifiers: ClinVar variation 3517092 (VCV003517092.3).
Genomic context (GRCh38, chr13:38,850,218, plus strand): 5'-GGCAGGGGTCTGCACAGGTGATGATGGACTTTGAAGAACGCCCAAACACTGATACCTCCA[T>A]CATCACATTCCTCCCTGGTAAGCTTGAACTTGAAATTTTTTCGTGAAATTTGAAGAAGCC-3'
Protein context (NP_997244.4, residues 2177-2197): FEERPNTDTS[Ile2187Asn]ITFLPGETEK

ClinVar aggregate classification (germline): Uncertain significance. Review status: criteria provided, multiple submitters, no conflicts (2 of 4 stars). 3 submissions from 3 submitters: Uncertain significance (3). Last evaluated 2024-10-01.

Conditions:
Inborn genetic diseases. Identifiers: MedGen C0950123, MeSH D030342.
Isolated cryptophthalmia. Also called: Cryptophthalmos, unilateral or bilateral, isolated; ANKYLOBLEPHARON, SIMPLE. Identifiers: Orphanet 91396, MedGen C1852453, MONDO:0007410, OMIM 123570.
Fraser syndrome 2 (FRASRS2). Identifiers: MedGen C4540036, MONDO:0054738, OMIM 617666.

gnomAD v4.1: 67 of 1,613,738 alleles (0.0042%); highest among the groups gnomAD compares: Non-Finnish European, 0.0054%; no homozygotes.

Submissions (3):

Ambry Genetics
Classification: Uncertain significance for Inborn genetic diseases. Last evaluated: 2024-10-01. Review status: criteria provided, single submitter. Criteria: Ambry Variant Classification Scheme 2023. Collection method: clinical testing. Allele origin: germline.

Labcorp Genetics (formerly Invitae), Labcorp
Classification: Uncertain significance. Last evaluated: 2024-06-25. Review status: criteria provided, single submitter. Criteria: Invitae Variant Classification Sherloc (09022015). Collection method: clinical testing. Allele origin: germline.
Comment: This sequence change replaces isoleucine, which is neutral and non-polar, with asparagine, which is neutral and polar, at codon 2187 of the FREM2 protein (p.Ile2187Asn). This variant is present in population databases (rs370954726, gnomAD 0.01%). This variant has not been reported in the literature in individuals affected with FREM2-related conditions. Advanced modeling of protein sequence and biophysical properties (such as structural, functional, and spatial information, amino acid conservation, physicochemical variation, residue mobility, and thermodynamic stability) performed at Invitae indicates that this missense variant is expected to disrupt FREM2 protein function with a positive predictive value of 80%. In summary, the available evidence is currently insufficient to determine the role of this variant in disease. Therefore, it has been classified as a Variant of Uncertain Significance.

Fulgent Genetics
Classification: Uncertain significance for Isolated cryptophthalmia; Fraser syndrome 2. Last evaluated: 2024-02-12. Review status: criteria provided, single submitter. Criteria: ACMG Guidelines, 2015. Collection method: clinical testing. Allele origin: germline.